The following is an entry in ClinVar:

NM_024675.4(PALB2):c.691A>T (p.Lys231Ter)

Gene: PALB2 (partner and localizer of BRCA2; minus strand). Cytogenetic location: 16p12.2.
Variant type: single nucleotide variant.
Coding change: c.691A>T on transcript NM_024675.4 (MANE Select); coding-DNA position 691, A replaced by T.
Protein change: p.Lys231Ter; replaces lysine 231 with a stop codon.
Molecular consequence: nonsense.
Genome position (GRCh38, 1-based): chr16:23,635,855, T>A on the plus strand (A>T on the coding strand, the complement: PALB2 is on the minus strand). VCF-style: chr16-23635855-T-A. GRCh37 (hg19) VCF-style: chr16-23647176-T-A.
Other names: short protein forms K231*.
Identifiers: ClinVar variation 1075100 (VCV001075100.8), dbSNP rs2142437289, ClinGen allele CA395136399.

ClinVar aggregate classification (germline): Pathogenic (1 of 4 stars; one submission).

Conditions:
Familial cancer of breast. Also called: hereditary breast carcinoma; Hereditary breast cancer; BREAST CANCER, FAMILIAL. Identifiers: Orphanet 227535, MedGen C0346153, MONDO:0016419, OMIM 114480. Disease mechanism: loss of function.

Submission:

Labcorp Genetics (formerly Invitae), Labcorp
Classification: Pathogenic for Familial cancer of breast. Last evaluated: 2022-12-07. Review status: criteria provided, single submitter. Criteria: Invitae Variant Classification Sherloc (09022015). Collection method: clinical testing. Allele origin: germline.
Comment: This sequence change creates a premature translational stop signal (p.Lys231*) in the PALB2 gene. It is expected to result in an absent or disrupted protein product. Loss-of-function variants in PALB2 are known to be pathogenic (PMID: 17200668, 17200671, 17200672, 24136930, 25099575). This variant is not present in population databases (gnomAD no frequency). This variant has not been reported in the literature in individuals affected with PALB2-related conditions. ClinVar contains an entry for this variant (Variation ID: 1075100). For these reasons, this variant has been classified as Pathogenic.

Literature cited by the submitters: PubMed 17200668; PubMed 17200671; PubMed 17200672; PubMed 24136930; PubMed 25099575.